The following is an entry in ClinVar:

ClinVar aggregate classification (germline): Uncertain significance (1 of 4 stars; one submission).

Conditions:
RYR1-related disorder. Also called: RYR1-related condition; RYR1-related disorders. Identifiers: MedGen CN239331.

Submission:

Labcorp Genetics (formerly Invitae), Labcorp
Classification: Uncertain significance for RYR1-related disorder. Last evaluated: 2025-10-01. Review status: criteria provided, single submitter. Criteria: Invitae Variant Classification Sherloc (09022015). Collection method: clinical testing. Allele origin: germline.
Comment: This sequence change replaces glycine, which is neutral and non-polar, with cysteine, which is neutral and slightly polar, at codon 4356 of the RYR1 protein (p.Gly4356Cys). This variant is not present in population databases (gnomAD no frequency). This variant has not been reported in the literature in individuals affected with RYR1-related conditions. ClinVar contains an entry for this variant (Variation ID: 1054523). Invitae Evidence Modeling of protein sequence and biophysical properties (such as structural, functional, and spatial information, amino acid conservation, physicochemical variation, residue mobility, and thermodynamic stability) indicates that this missense variant is not expected to disrupt RYR1 protein function with a negative predictive value of 80%. In summary, the available evidence is currently insufficient to determine the role of this variant in disease. Therefore, it has been classified as a Variant of Uncertain Significance.

NM_000540.3(RYR1):c.13066G>T (p.Gly4356Cys)

Gene: RYR1 (ryanodine receptor 1; plus strand). Cytogenetic location: 19q13.2.
Variant type: single nucleotide variant.
Coding change: c.13066G>T on transcript NM_000540.3 (MANE Select); coding-DNA position 13066, G replaced by T.
Protein change: p.Gly4356Cys; replaces glycine 4356 with cysteine.
Molecular consequence: missense variant.
Genome position (GRCh38, 1-based): chr19:38,565,400, G>T. VCF-style: chr19-38565400-G-T. GRCh37 (hg19) VCF-style: chr19-39056040-G-T.
Other names: c.13051G>T, p.Gly4351Cys (NM_001042723.2); short protein forms G4351C, G4356C.
Identifiers: ClinVar variation 1054523 (VCV001054523.9), dbSNP rs1973360489, ClinGen allele CA405673311.
Genomic context (GRCh38, chr19:38,565,400, plus strand): 5'-CTCTGGGCAGCAGTGACGCGCGCTGGGGCCGCTGGCGCGGGGGCGGCGGCGGGCGCGCTG[G>T]GCCTGCTCTGGGGCTCGCTGTTCGGCGGCGGCCTGGTGGAGGGCGCCAAGAAGGTGACGG-3'
Protein context (NP_000531.2, residues 4346-4366): AGAGAAAGAL[Gly4356Cys]LLWGSLFGGG